The following is an entry in ClinVar:

ClinVar aggregate classification (germline): Uncertain significance. Review status: criteria provided, multiple submitters, no conflicts (2 of 4 stars). 3 submissions from 3 submitters: Uncertain significance (3). Last evaluated 2024-04-02.

Conditions:
Fanconi anemia (FA). Also called: Fanconi's anemia. Identifiers: Orphanet 84, MedGen C0015625, MeSH D005199, MONDO:0019391.
Spermatogenic failure 28. Identifiers: MedGen C4748117, MONDO:0054732, OMIM 618086.
Premature ovarian failure 15. Identifiers: MedGen C4748170, MONDO:0054862, OMIM 618096.

Allele frequency attached by ClinVar (database versions not stated): gnomAD exomes 0.00001 and 0.00002; ExAC 0.00002.
gnomAD v4.1: 12 of 1,613,070 alleles (0.00074%); highest among the groups gnomAD compares: Admixed American, 0.0017%; no homozygotes.

Submissions (3):

Labcorp Genetics (formerly Invitae), Labcorp
Classification: Uncertain significance for Fanconi anemia. Last evaluated: 2024-04-02. Review status: criteria provided, single submitter. Criteria: Invitae Variant Classification Sherloc (09022015). Collection method: clinical testing. Allele origin: germline.
Comment: This sequence change replaces asparagine, which is neutral and polar, with serine, which is neutral and polar, at codon 1058 of the FANCM protein (p.Asn1058Ser). This variant is present in population databases (rs747787931, gnomAD 0.0009%). This missense change has been observed in individual(s) with breast or ovarian cancer (PMID: 29351780). ClinVar contains an entry for this variant (Variation ID: 659836). Algorithms developed to predict the effect of missense changes on protein structure and function output the following: SIFT: "Not Available"; PolyPhen-2: "Benign"; Align-GVGD: "Not Available". The serine amino acid residue is found in multiple mammalian species, which suggests that this missense change does not adversely affect protein function. In summary, the available evidence is currently insufficient to determine the role of this variant in disease. Therefore, it has been classified as a Variant of Uncertain Significance.

GeneDx
Classification: Uncertain significance. Last evaluated: 2022-12-20. Review status: criteria provided, single submitter. Criteria: GeneDx Variant Classification Process June 2021. Collection method: clinical testing. Allele origin: germline. Affected: yes.
Comment: Not observed at significant frequency in large population cohorts (gnomAD); In silico analysis supports that this missense variant does not alter protein structure/function; Has not been previously published as pathogenic or benign to our knowledge

Fulgent Genetics
Classification: Uncertain significance for Spermatogenic failure 28; Premature ovarian failure 15. Last evaluated: 2021-09-29. Review status: criteria provided, single submitter. Criteria: ACMG Guidelines, 2015. Collection method: clinical testing. Allele origin: unknown.

Literature cited by the submitters: PubMed 29351780 (cited by Labcorp Genetics (formerly Invitae), Labcorp).

NM_020937.4(FANCM):c.3173A>G (p.Asn1058Ser)

Gene: FANCM (FA complementation group M; plus strand). Cytogenetic location: 14q21.2.
Variant type: single nucleotide variant.
Coding change: c.3173A>G on transcript NM_020937.4 (MANE Select); coding-DNA position 3173, A replaced by G.
Protein change: p.Asn1058Ser; replaces asparagine 1058 with serine.
Molecular consequence: missense variant.
Genome position (GRCh38, 1-based): chr14:45,175,927, A>G. VCF-style: chr14-45175927-A-G. GRCh37 (hg19) VCF-style: chr14-45645130-A-G.
Other names: c.3173A>G (LRG_502t1); c.3095A>G, p.Asn1032Ser (NM_001308133.2); short protein forms N1032S, N1058S.
Identifiers: ClinVar variation 659836 (VCV000659836.12), dbSNP rs747787931, ClinGen allele CA7169474.
Genomic context (GRCh38, chr14:45,175,927, plus strand): 5'-TGTCACATTCAGCTGTGAATTCTCAACAGAATTTAGAATTGAATTCACTTAAATGTATAA[A>G]TTATCCATCTGAAAAAAGTTGCCTTTATGATATACCTAATGATAATATTTCTGATGAGCC-3'
Protein context (NP_065988.1, residues 1048-1068): NLELNSLKCI[Asn1058Ser]YPSEKSCLYD